The following is an entry in ClinVar:

ClinVar aggregate classification (germline): Uncertain significance (1 of 4 stars; one submission).

Conditions:
Peroxisome biogenesis disorder 4B (PBD4B). Also called: SPINOCEREBELLAR ATAXIA WITH BLINDNESS AND DEAFNESS 1. Identifiers: Orphanet 44, Orphanet 95433, MedGen C3553937, MONDO:0013931, OMIM 614863.

Allele frequency attached by ClinVar (database versions not stated): gnomAD 0.00001.
gnomAD v4.1: 5 of 1,614,100 alleles (0.00031%); highest among the groups gnomAD compares: South Asian, 0.0044%; no homozygotes.

Submission:

Neuberg Centre For Genomic Medicine, NCGM
Classification: Uncertain significance for Peroxisome biogenesis disorder 4B. Review status: criteria provided, single submitter. Criteria: ACMG Guidelines, 2015. Collection method: clinical testing. Allele origin: germline. Inheritance: Autosomal recessive inheritance. Affected: yes.
Comment: The missense variant c.1183G>A (p.Gly395Arg) in PEX6 gene has not been reported previously as a pathogenic variant nor as a benign variant, to our knowledge. The p.Gly395Arg variant is novel (not in any individuals) in 1000 Genomes and allele frequency of 0.0003977% is reported in gnomAD. The amino acid Gly at position 395 is changed to a Arg changing protein sequence and it might alter its composition and physico-chemical properties. The amino acid change p.Gly395Arg in PEX6 is predicted as conserved by GERP++ and PhyloP across 100 vertebrates. For these reasons, this variant has been classified as Uncertain Significance.

NM_000287.4(PEX6):c.1183G>A (p.Gly395Arg)

Gene: PEX6 (peroxisomal biogenesis factor 6; minus strand). Cytogenetic location: 6p21.1.
Variant type: single nucleotide variant.
Coding change: c.1183G>A on transcript NM_000287.4 (MANE Select); coding-DNA position 1183, G replaced by A.
Protein change: p.Gly395Arg; replaces glycine 395 with arginine.
Molecular consequence: missense variant. On other transcripts: non-coding transcript variant (1).
Genome position (GRCh38, 1-based): chr6:42,969,935, C>T on the plus strand (G>A on the coding strand, the complement: PEX6 is on the minus strand). VCF-style: chr6-42969935-C-T. GRCh37 (hg19) VCF-style: chr6-42937673-C-T.
Other names: c.919G>A, p.Gly307Arg (NM_001316313.2); short protein forms G307R, G395R.
Identifiers: ClinVar variation 2584823 (VCV002584823.1), dbSNP rs755139673, ClinGen allele CA3811416.